The following is an entry in ClinVar:

NM_004104.5(FASN):c.2467G>A (p.Ala823Thr)

Gene: FASN (fatty acid synthase; minus strand). Cytogenetic location: 17q25.3.
Variant type: single nucleotide variant.
Coding change: c.2467G>A on transcript NM_004104.5 (MANE Select); coding-DNA position 2467, G replaced by A.
Protein change: p.Ala823Thr; replaces alanine 823 with threonine.
Molecular consequence: missense variant.
Genome position (GRCh38, 1-based): chr17:82,088,516, C>T on the plus strand (G>A on the coding strand, the complement: FASN is on the minus strand). VCF-style: chr17-82088516-C-T. GRCh37 (hg19) VCF-style: chr17-80046392-C-T.
Other names: short protein forms A823T.
Identifiers: ClinVar variation 3689721 (VCV003689721.2).
Genomic context (GRCh38, chr17:82,088,516, plus strand): 5'-CCCAGGCCAGGCTGTGGTCCCACTTGATGAGTGGGGAGATGAGGGGAGTTCCTCGGGGAG[C>T]TGGGAACTCCACAGGTGGGAACAAGGCATTGGGGTTGGCGTCGATGCTACGGAGAAGGGA-3'
Protein context (NP_004095.4, residues 813-833): NALFPPVEFP[Ala823Thr]PRGTPLISPL

ClinVar aggregate classification (germline): Uncertain significance (1 of 4 stars; one submission).

Conditions:
Epileptic encephalopathy. Identifiers: MedGen C0543888, HP:0200134.

gnomAD v4.1: 2 of 1,608,030 alleles (0.00012%); no homozygotes.

Submission:

Labcorp Genetics (formerly Invitae), Labcorp
Classification: Uncertain significance for Epileptic encephalopathy. Last evaluated: 2024-12-10. Review status: criteria provided, single submitter. Criteria: Invitae Variant Classification Sherloc (09022015). Collection method: clinical testing. Allele origin: germline.
Comment: This sequence change replaces alanine, which is neutral and non-polar, with threonine, which is neutral and polar, at codon 823 of the FASN protein (p.Ala823Thr). This variant is present in population databases (rs775346222, gnomAD 0.009%). This variant has not been reported in the literature in individuals affected with FASN-related conditions. An algorithm developed to predict the effect of missense changes on protein structure and function (PolyPhen-2) suggests that this variant is likely to be tolerated. In summary, the available evidence is currently insufficient to determine the role of this variant in disease. Therefore, it has been classified as a Variant of Uncertain Significance.